The following is an entry in ClinVar:

NM_006005.3(WFS1):c.1651T>G (p.Ser551Ala)

Gene: WFS1 (wolframin ER transmembrane glycoprotein; plus strand). Cytogenetic location: 4p16.1.
Variant type: single nucleotide variant.
Coding change: c.1651T>G on transcript NM_006005.3 (MANE Select); coding-DNA position 1651, T replaced by G.
Protein change: p.Ser551Ala; replaces serine 551 with alanine.
Molecular consequence: missense variant.
Genome position (GRCh38, 1-based): chr4:6,301,446, T>G. VCF-style: chr4-6301446-T-G. GRCh37 (hg19) VCF-style: chr4-6303173-T-G.
Other names: c.1651T>G, p.Ser551Ala (NM_001145853.1); short protein forms S551A.
Identifiers: ClinVar variation 4802687 (VCV004802687.1).

ClinVar aggregate classification (germline): Uncertain significance (1 of 4 stars; one submission).

Submission:

Labcorp Genetics (formerly Invitae), Labcorp
Classification: Uncertain significance. Last evaluated: 2026-02-01. Review status: criteria provided, single submitter. Criteria: Invitae Variant Classification Sherloc (09022015). Collection method: clinical testing. Allele origin: germline.
Comment: This sequence change replaces serine, which is neutral and polar, with alanine, which is neutral and non-polar, at codon 551 of the WFS1 protein (p.Ser551Ala). This variant is not present in population databases (gnomAD no frequency). This variant has not been reported in the literature in individuals affected with WFS1-related conditions. Invitae Evidence Modeling of protein sequence and biophysical properties (such as structural, functional, and spatial information, amino acid conservation, physicochemical variation, residue mobility, and thermodynamic stability) indicates that this missense variant is not expected to disrupt WFS1 protein function with a negative predictive value of 95%. In summary, the available evidence is currently insufficient to determine the role of this variant in disease. Therefore, it has been classified as a Variant of Uncertain Significance.